The following is an entry in ClinVar:

NM_000088.4(COL1A1):c.1461+2T>A

Gene: COL1A1 (collagen type I alpha 1 chain; minus strand). Cytogenetic location: 17q21.33.
Variant type: single nucleotide variant.
Coding change: c.1461+2T>A on transcript NM_000088.4 (MANE Select); the canonical splice donor site of the intron after coding-DNA position 1461, T replaced by A.
Molecular consequence: splice donor variant.
Genome position (GRCh38, 1-based): chr17:50,194,719, A>T on the plus strand (T>A on the coding strand, the complement: COL1A1 is on the minus strand). VCF-style: chr17-50194719-A-T. GRCh37 (hg19) VCF-style: chr17-48272080-A-T.
Identifiers: ClinVar variation 3647269 (VCV003647269.2).

ClinVar aggregate classification (germline): Pathogenic (1 of 4 stars; one submission).

Conditions:
Osteogenesis imperfecta type I (OI1). Also called: Classic Non-deforming Osteogenesis Imperfecta with Blue Sclerae; OI, TYPE I; OSTEOGENESIS IMPERFECTA TARDA; OSTEOGENESIS IMPERFECTA WITH BLUE SCLERAE; Osteogenesis imperfecta type 1; Lobstein's Disease. Identifiers: Orphanet 216796, Orphanet 666, MedGen C0023931, MONDO:0008146, OMIM 166200. Disease mechanism: loss of function.

Submission:

Labcorp Genetics (formerly Invitae), Labcorp
Classification: Pathogenic for Osteogenesis imperfecta type I. Last evaluated: 2024-03-21. Review status: criteria provided, single submitter. Criteria: Invitae Variant Classification Sherloc (09022015). Collection method: clinical testing. Allele origin: germline.
Comment: This sequence change affects a donor splice site in intron 21 of the COL1A1 gene. It is expected to disrupt RNA splicing. Variants that disrupt the donor or acceptor splice site typically lead to a loss of protein function (PMID: 16199547), and loss-of-function variants in COL1A1 are known to be pathogenic (PMID: 7942841, 9295084, 9443882). This variant is not present in population databases (gnomAD no frequency). Disruption of this splice site has been observed in individual(s) with osteogenesis imperfecta (PMID: 30715774). Algorithms developed to predict the effect of sequence changes on RNA splicing suggest that this variant may disrupt the consensus splice site. For these reasons, this variant has been classified as Pathogenic.

Literature cited by the submitters: PubMed 16199547; PubMed 7942841; PubMed 9295084; PubMed 9443882; PubMed 30715774.